The following is an entry in ClinVar:

NM_001256012.3(MYH10):c.5692del (p.Gln1898fs)

Gene: MYH10 (myosin heavy chain 10; minus strand). Cytogenetic location: 17p13.1.
Variant type: Deletion.
Coding change: c.5692del on transcript NM_001256012.3 (MANE Select); coding-DNA position 5692, one base deleted (C; older notation c.5692delC).
Protein change: p.Gln1898fs; shifts the reading frame from glutamine 1898.
Molecular consequence: frameshift variant.
Genome position (GRCh38, 1-based): chr17:8,478,352, G deleted on the plus strand (C on the coding strand, the reverse complement: MYH10 is on the minus strand); the first of 2 consecutive G bases (chr17:8,478,352-8,478,353); deleting either gives the same sequence. VCF-style (leftmost placement, unchanged base first): chr17-8478351-TG-T. GRCh37 (hg19) VCF-style: chr17-8381669-TG-T.
Other names: c.5629del, p.Gln1877fs (NM_001375266.1); c.5599del, p.Gln1867fs (NM_005964.5); c.5626del, p.Gln1876fs (NM_001256095.2); short protein forms Q1876fs, Q1877fs, Q1898fs, Q1867fs.
Identifiers: ClinVar variation 5000169 (VCV005000169.1).

ClinVar aggregate classification (germline): Uncertain significance (1 of 4 stars; one submission).

Conditions:
MYH10-related disorder. Also called: MYH10-related condition.

Submission:

PreventionGenetics, part of Exact Sciences
Classification: Uncertain significance for MYH10-related condition. Last evaluated: 2025-01-27. Review status: criteria provided, single submitter. Criteria: ACMG Guidelines, 2015. Collection method: clinical testing. Allele origin: germline.
Comment: The MYH10 c.5692delC variant is predicted to result in a frameshift and premature protein termination (p.Gln1898Serfs*13). To our knowledge, this variant has not been reported in the literature or in a large population database (gnomAD), indicating this variant is rare. At this time, the clinical significance of this variant is uncertain due to the absence of conclusive functional and genetic evidence.